The following is an entry in ClinVar:

ClinVar aggregate classification (germline): Conflicting classifications of pathogenicity. Review status: criteria provided, conflicting classifications (1 of 4 stars). 6 submissions from 6 submitters: Uncertain significance (1); Likely benign (5). Last evaluated 2026-06-01.

Conditions:
Inborn genetic diseases. Identifiers: MedGen C0950123, MeSH D030342.
PDZD7-related disorder. Also called: PDZD7-related condition; PDZD7-related disorders.

Allele frequency attached by ClinVar (database versions not stated): gnomAD exomes 0.00010 and 0.00032; ExAC 0.00073; ESP Exome Variant Server 0.00118; TOPMed 0.00119; gnomAD 0.00123 and 0.00131; 1000 Genomes Project 0.00180; 1000 Genomes Project 30x 0.00219.
gnomAD v4.1: 348 of 1,574,192 alleles (0.022%); highest among the groups gnomAD compares: African/African-American, 0.39%; 1 homozygote.

Submissions (6):

CeGaT Center for Human Genetics Tuebingen
Classification: Likely benign. Last evaluated: 2026-06-01. Review status: criteria provided, single submitter. Criteria: CeGaT Center For Human Genetics Tuebingen Variant Classification Criteria Version 2. Collection method: clinical testing. Allele origin: germline. Affected: yes. Observed: 2 variant alleles.
Comment: PDZD7: BP4

Labcorp Genetics (formerly Invitae), Labcorp
Classification: Likely benign. Last evaluated: 2025-10-26. Review status: criteria provided, single submitter. Criteria: Invitae Variant Classification Sherloc (09022015). Collection method: clinical testing. Allele origin: germline.

Ambry Genetics
Classification: Uncertain significance for Inborn genetic diseases. Last evaluated: 2025-08-25. Review status: criteria provided, single submitter. Criteria: Ambry Variant Classification Scheme 2023. Collection method: clinical testing. Allele origin: germline.

PreventionGenetics, part of Exact Sciences
Classification: Likely benign for PDZD7-related condition. Last evaluated: 2024-11-19. Review status: criteria provided, single submitter. Criteria: ACMG Guidelines, 2015. Collection method: clinical testing. Allele origin: germline.
Comment: This variant is classified as likely benign based on ACMG/AMP sequence variant interpretation guidelines (Richards et al. 2015 PMID: 25741868, with internal and published modifications).

Blueprint Genetics
Classification: Likely benign. Last evaluated: 2024-10-31. Review status: criteria provided, single submitter. Criteria: ACMG Guidelines, 2015. Collection method: clinical testing. Allele origin: germline.

GeneDx
Classification: Likely benign. Last evaluated: 2021-04-06. Review status: criteria provided, single submitter. Criteria: GeneDx Variant Classification Process June 2021. Collection method: clinical testing. Allele origin: germline. Affected: yes.

NM_001195263.2(PDZD7):c.1136G>A (p.Arg379Gln)

Gene: PDZD7 (PDZ domain containing 7; minus strand). Cytogenetic location: 10q24.31.
Variant type: single nucleotide variant.
Coding change: c.1136G>A on transcript NM_001195263.2 (MANE Select); coding-DNA position 1136, G replaced by A.
Protein change: p.Arg379Gln; replaces arginine 379 with glutamine.
Molecular consequence: missense variant.
Genome position (GRCh38, 1-based): chr10:101,019,010, C>T on the plus strand (G>A on the coding strand, the complement: PDZD7 is on the minus strand). VCF-style: chr10-101019010-C-T. GRCh37 (hg19) VCF-style: chr10-102778767-C-T.
Other names: c.1136G>A, p.Arg379Gln (NM_001351044.2, NM_024895.5); short protein forms R379Q.
Identifiers: ClinVar variation 1112257 (VCV001112257.23), dbSNP rs199608117, ClinGen allele CA5654153.